The following is an entry in ClinVar:

NM_002230.4(JUP):c.1714C>T (p.Arg572Trp)

Gene: JUP (junction plakoglobin; minus strand). Cytogenetic location: 17q21.2.
Variant type: single nucleotide variant.
Coding change: c.1714C>T on transcript NM_002230.4 (MANE Select); coding-DNA position 1714, C replaced by T.
Protein change: p.Arg572Trp; replaces arginine 572 with tryptophan.
Molecular consequence: missense variant.
Genome position (GRCh38, 1-based): chr17:41,758,458, G>A on the plus strand (C>T on the coding strand, the complement: JUP is on the minus strand). VCF-style: chr17-41758458-G-A. GRCh37 (hg19) VCF-style: chr17-39914710-G-A.
Other names: c.1714C>T (NM_021991.2); c.1714C>T, p.Arg572Trp (NM_001352773.2, NM_001352774.2, NM_001352775.2 and 3 more transcripts); short protein forms R572W.
Identifiers: ClinVar variation 468746 (VCV000468746.11), dbSNP rs559297418, ClinGen allele CA8565146.

ClinVar aggregate classification (germline): Uncertain significance. Review status: criteria provided, multiple submitters, no conflicts (2 of 4 stars). 4 submissions from 4 submitters: Uncertain significance (3). 1 of the submissions does not count toward it. Last evaluated 2025-03-30.

Conditions:
Naxos disease (NXD). Also called: KERATOSIS PALMOPLANTARIS WITH ARRHYTHMOGENIC CARDIOMYOPATHY; MAL DE NAXOS; PALMOPLANTAR KERATODERMA WITH ARRHYTHMOGENIC RIGHT VENTRICULAR CARDIOMYOPATHY AND WOOLLY HAIR; WOOLLY HAIR, PALMOPLANTAR KERATODERMA, AND CARDIAC ABNORMALITIES; CARDIOMYOPATHY, ARRHYTHMOGENIC RIGHT VENTRICULAR, WITH SKIN, HAIR, AND NAIL ABNORMALITIES. Identifiers: Orphanet 34217, MedGen C1832600, MONDO:0011017, OMIM 601214.
Arrhythmogenic right ventricular dysplasia 12. Also called: ARRHYTHMOGENIC RIGHT VENTRICULAR DYSPLASIA, FAMILIAL, 12. Identifiers: MedGen C1969081, MONDO:0012684, OMIM 611528.
JUP-related disorder. Also called: JUP-related condition.
Cardiovascular phenotype. Identifiers: MedGen CN230736.

Allele frequency attached by ClinVar (database versions not stated): ExAC 0.00001; gnomAD exomes 0.00001; TOPMed 0.00001; gnomAD 0.00002 and 0.00003; 1000 Genomes Project 30x 0.00016; 1000 Genomes Project 0.00020.
gnomAD v4.1: 22 of 1,614,030 alleles (0.0014%); highest among the groups gnomAD compares: African/African-American, 0.008%; no homozygotes.

Submissions (4):

Labcorp Genetics (formerly Invitae), Labcorp
Classification: Uncertain significance for Arrhythmogenic right ventricular dysplasia 12; Naxos disease. Last evaluated: 2025-03-30. Review status: criteria provided, single submitter. Criteria: Invitae Variant Classification Sherloc (09022015). Collection method: clinical testing. Allele origin: germline.
Comment: This sequence change replaces arginine, which is basic and polar, with tryptophan, which is neutral and slightly polar, at codon 572 of the JUP protein (p.Arg572Trp). This variant is present in population databases (rs559297418, gnomAD 0.007%). This variant has not been reported in the literature in individuals affected with JUP-related conditions. ClinVar contains an entry for this variant (Variation ID: 468746). An algorithm developed to predict the effect of missense changes on protein structure and function (PolyPhen-2) suggests that this variant is likely to be disruptive. In summary, the available evidence is currently insufficient to determine the role of this variant in disease. Therefore, it has been classified as a Variant of Uncertain Significance.

Ambry Genetics
Classification: Uncertain significance for Cardiovascular phenotype. Last evaluated: 2024-09-12. Review status: criteria provided, single submitter. Criteria: Ambry Variant Classification Scheme 2023. Collection method: clinical testing. Allele origin: germline.
Comment: The p.R572W variant (also known as c.1714C>T), located in coding exon 9 of the JUP gene, results from a C to T substitution at nucleotide position 1714. The arginine at codon 572 is replaced by tryptophan, an amino acid with dissimilar properties. This alteration has been reported in cardiomyopathy cohorts in affected individuals and the control population (Bao J et al. Circ Cardiovasc Genet, 2013 Dec;6:552-6; K&uuml;hnisch J et al. Clin Genet, 2019 Dec;96:549-559). This amino acid position is highly conserved in available vertebrate species. In addition, this alteration is predicted to be deleterious by in silico analysis. Based on the available evidence, the clinical significance of this variant remains unclear.

Fulgent Genetics
Classification: Uncertain significance for Naxos disease; Arrhythmogenic right ventricular dysplasia 12. Last evaluated: 2021-11-20. Review status: criteria provided, single submitter. Criteria: ACMG Guidelines, 2015. Collection method: clinical testing. Allele origin: unknown.

PreventionGenetics, part of Exact Sciences
Classification: Uncertain significance for JUP-related condition. Last evaluated: 2024-08-13. Review status: no assertion criteria provided. Collection method: clinical testing. Allele origin: germline. Not counted in ClinVar's aggregate classification.
Comment: The JUP c.1714C>T variant is predicted to result in the amino acid substitution p.Arg572Trp. This variant has been reported in both control and affected individuals in a case-control study of arrhythmogenic right ventricular cardiomyopathy. This variant was not considered to be a primary cause of disease (Table S2, Bao et al. 2013. PubMed ID: 24125834). This variant is reported in 0.0062% of alleles in individuals of African descent in gnomAD. At this time, the clinical significance of this variant is uncertain due to the absence of conclusive functional and genetic evidence.

Literature cited by the submitters: PubMed 24125834 (cited by Ambry Genetics); PubMed 31568572 (cited by Ambry Genetics).